The following is an entry in ClinVar:

ClinVar aggregate classification (germline): Pathogenic (1 of 4 stars; one submission).

Conditions:
Autosomal recessive polycystic kidney disease (ARPKD). Also called: AR polycystic kidney disease. Identifiers: Orphanet 731, Orphanet 8378, MedGen C0085548, MeSH D017044, MONDO:0009889.

Submission:

Labcorp Genetics (formerly Invitae), Labcorp
Classification: Pathogenic for Autosomal recessive polycystic kidney disease. Last evaluated: 2024-02-19. Review status: criteria provided, single submitter. Criteria: Invitae Variant Classification Sherloc (09022015). Collection method: clinical testing. Allele origin: germline.
Comment: This variant results in the deletion of part of exon 66 (c.11697_11785+527delinsTTAGG) of the PKHD1 gene. While this variant is not anticipated to result in nonsense mediated decay, it likely alters RNA splicing and results in a disrupted protein product. This variant is not present in population databases (gnomAD no frequency). This variant has not been reported in the literature in individuals affected with PKHD1-related conditions. Variants that disrupt the consensus splice site are a relatively common cause of aberrant splicing (PMID: 17576681, 9536098). This variant disrupts a region of the PKHD1 protein in which other variant(s) (p.Arg3961*) have been determined to be pathogenic (Invitae). This suggests that this is a clinically significant region of the protein, and that variants that disrupt it are likely to be disease-causing. For these reasons, this variant has been classified as Pathogenic.

Literature cited by the submitters: PubMed 17576681; PubMed 9536098.

NM_138694.4(PKHD1):c.11697_11785+527delinsTTAGG

Gene: PKHD1 (PKHD1 ciliary IPT domain containing fibrocystin/polyductin; minus strand). Cytogenetic location: 6p12.3.
Variant type: Indel.
Coding change: c.11697_11785+527delinsTTAGG on transcript NM_138694.4 (MANE Select); coding-DNA position 11697 through 527 bases into the intron after coding-DNA position 11785, the reference bases replaced by TTAGG.
Molecular consequence: splice donor variant.
Genome position (GRCh38, 1-based): chr6:51,626,470-51,627,085, 616 bases replaced. GRCh37 (hg19): chr6:51,491,268-51,491,883.
Identifiers: ClinVar variation 2857989 (VCV002857989.3), dbSNP rs2533007564, ClinGen allele CA2739273088.